The following is an entry in ClinVar:

NM_004364.5(CEBPA):c.835G>A (p.Asp279Asn)

Gene: CEBPA (CCAAT enhancer binding protein alpha; minus strand). Cytogenetic location: 19q13.11.
Variant type: single nucleotide variant.
Coding change: c.835G>A on transcript NM_004364.5 (MANE Select); coding-DNA position 835, G replaced by A.
Protein change: p.Asp279Asn; replaces aspartic acid 279 with asparagine.
Molecular consequence: missense variant.
Genome position (GRCh38, 1-based): chr19:33,301,580, C>T on the plus strand (G>A on the coding strand, the complement: CEBPA is on the minus strand). VCF-style: chr19-33301580-C-T. GRCh37 (hg19) VCF-style: chr19-33792486-C-T.
Other names: c.478G>A, p.Asp160Asn (NM_001285829.2); c.940G>A, p.Asp314Asn (NM_001287424.2); c.793G>A, p.Asp265Asn (NM_001287435.2); short protein forms D314N, D160N, D279N, D265N.
Identifiers: ClinVar variation 3999996 (VCV003999996.1).

ClinVar aggregate classification (germline): Uncertain significance (1 of 4 stars; one submission).

Conditions:
Inborn genetic diseases. Identifiers: MedGen C0950123, MeSH D030342.

gnomAD v4.1: 1 of 1,611,402 alleles (0.000062%); highest among the groups gnomAD compares: Non-Finnish European, 0.000085%; no homozygotes.

Submission:

Ambry Genetics
Classification: Uncertain significance for Inborn genetic diseases. Last evaluated: 2025-04-19. Review status: criteria provided, single submitter. Criteria: Ambry Variant Classification Scheme 2023. Collection method: clinical testing. Allele origin: germline.
Comment: The p.D279N variant (also known as c.835G>A), located in coding exon 1 of the CEBPA gene, results from a G to A substitution at nucleotide position 835. The aspartic acid at codon 279 is replaced by asparagine, an amino acid with highly similar properties. This amino acid position is conserved. In addition, this alteration is predicted to be tolerated by in silico analysis. Based on the available evidence, the clinical significance of this variant remains unclear.